The following is an entry in ClinVar:

ClinVar aggregate classification (germline): Uncertain significance. Review status: criteria provided, multiple submitters, no conflicts (2 of 4 stars). 5 submissions from 5 submitters: Uncertain significance (5). Last evaluated 2025-12-01.

Conditions:
COL2A1-related disorder. Also called: COL2A1-related condition; COL2A1-related disorders.

Allele frequency attached by ClinVar (database versions not stated): gnomAD 0.00001; TOPMed 0.00002.
gnomAD v4.1: 26 of 1,612,502 alleles (0.0016%); highest among the groups gnomAD compares: Middle Eastern, 0.016%; no homozygotes.

Submissions (5):

Labcorp Genetics (formerly Invitae), Labcorp
Classification: Uncertain significance. Last evaluated: 2025-12-01. Review status: criteria provided, single submitter. Criteria: Invitae Variant Classification Sherloc (09022015). Collection method: clinical testing. Allele origin: germline.
Comment: This sequence change replaces arginine, which is basic and polar, with histidine, which is basic and polar, at codon 1058 of the COL2A1 protein (p.Arg1058His). This variant is present in population databases (rs774603840, gnomAD 0.003%). This variant has not been reported in the literature in individuals affected with COL2A1-related conditions. ClinVar contains an entry for this variant (Variation ID: 967102). Invitae Evidence Modeling of protein sequence and biophysical properties (such as structural, functional, and spatial information, amino acid conservation, physicochemical variation, residue mobility, and thermodynamic stability) indicates that this missense variant is expected to disrupt COL2A1 protein function with a positive predictive value of 95%. In summary, the available evidence is currently insufficient to determine the role of this variant in disease. Therefore, it has been classified as a Variant of Uncertain Significance.

PreventionGenetics, part of Exact Sciences
Classification: Uncertain significance for COL2A1-related condition. Last evaluated: 2025-08-05. Review status: criteria provided, single submitter. Criteria: ACMG Guidelines, 2015. Collection method: clinical testing. Allele origin: germline.
Comment: The COL2A1 c.3173G>A variant is predicted to result in the amino acid substitution p.Arg1058His. This variant was reported de novo in an individual with autism (Table S2, Turner et al. 2019. PubMed ID: 31785789; Supplement Data 1, Zhou et al. 2022. PubMed ID: 35982159) and in an individual with congenital Zika syndrome (S2 Table, Borda et al. 2021. PubMed ID: 34125832). This variant is reported in 0.0033% of alleles in individuals of South Asian descent in gnomAD. At this time, the clinical significance of this variant is uncertain due to the absence of conclusive functional and genetic evidence.

Dasa
Classification: Uncertain significance. Last evaluated: 2025-04-08. Review status: criteria provided, single submitter. Criteria: DASA Assertion Criteria. Collection method: clinical testing. Allele origin: germline.
Comment: NM_001844.5(COL2A1):c.3173G>A (p.Arg1058His) is a missense variant that results in the substitution of arginine with histidine. This variant is rare in population databases. Computational prediction algorithms are consistent with a deleterious effect. The currently available literature and clinical evidence are not sufficient to establish a definitive association between this variant and the reported condition. Therefore, this variant is classified as a variant of uncertain significance.

Blueprint Genetics
Classification: Uncertain significance. Last evaluated: 2024-10-18. Review status: criteria provided, single submitter. Criteria: ACMG Guidelines, 2015. Collection method: clinical testing. Allele origin: germline.

GeneDx
Classification: Uncertain significance. Last evaluated: 2024-06-07. Review status: criteria provided, single submitter. Criteria: GeneDx Variant Classification Process June 2021. Collection method: clinical testing. Allele origin: germline. Affected: yes.
Comment: Identified in patients with autism in published literature (PMID: 31785789, 35982159); In silico analysis supports that this missense variant has a deleterious effect on protein structure/function; Occurs in the triple helical domain at the Y position in the canonical Gly-X-Y repeat; although this variant may have an effect on normal protein folding and function, missense substitution at the Y position is not a common mechanism of disease (HGMD); This variant is associated with the following publications: (PMID: 31785789, 34125832, 35982159)

NM_001844.5(COL2A1):c.3173G>A (p.Arg1058His)

Gene: COL2A1 (collagen type II alpha 1 chain; minus strand). Cytogenetic location: 12q13.11.
Variant type: single nucleotide variant.
Coding change: c.3173G>A on transcript NM_001844.5 (MANE Select); coding-DNA position 3173, G replaced by A.
Protein change: p.Arg1058His; replaces arginine 1058 with histidine.
Molecular consequence: missense variant.
Genome position (GRCh38, 1-based): chr12:47,977,420, C>T on the plus strand (G>A on the coding strand, the complement: COL2A1 is on the minus strand). VCF-style: chr12-47977420-C-T. GRCh37 (hg19) VCF-style: chr12-48371203-C-T.
Other names: c.2966G>A, p.Arg989His (NM_033150.3); short protein forms R989H, R1058H.
Identifiers: ClinVar variation 967102 (VCV000967102.12), dbSNP rs774603840, ClinGen allele CA6534844.